The following is an entry in ClinVar:

NM_001365951.3(KIF1B):c.2744C>T (p.Thr915Met)

Genes: KIF1B (kinesin family member 1B; plus strand), LOC126805614 (BRD4-independent group 4 enhancer GRCh37_chr1:10385546-10386745; plus strand). Cytogenetic location: 1p36.22.
Variant type: single nucleotide variant.
Coding change: c.2744C>T on transcript NM_001365951.3 (MANE Select); coding-DNA position 2744, C replaced by T.
Protein change: p.Thr915Met; replaces threonine 915 with methionine.
Molecular consequence: missense variant.
Genome position (GRCh38, 1-based): chr1:10,326,179, C>T. VCF-style: chr1-10326179-C-T. GRCh37 (hg19) VCF-style: chr1-10386237-C-T.
Other names: c.2744C>T, p.Thr915Met (NM_001365952.1); c.2606C>T, p.Thr869Met (NM_015074.3); short protein forms T915M, T869M.
Identifiers: ClinVar variation 946000 (VCV000946000.13), dbSNP rs749523745, ClinGen allele CA581601.

ClinVar aggregate classification (germline): Uncertain significance. Review status: criteria provided, multiple submitters, no conflicts (2 of 4 stars). 2 submissions from 2 submitters: Uncertain significance (2). Last evaluated 2024-09-27.

Conditions:
Charcot-Marie-Tooth disease type 2. Also called: Charcot-Marie-Tooth type 2. Identifiers: Orphanet 64746, MedGen C0270914, MONDO:0018993.

Allele frequency attached by ClinVar (database versions not stated): gnomAD exomes 0.00002; ExAC 0.00002.
gnomAD v4.1: 16 of 1,614,106 alleles (0.00099%); highest among the groups gnomAD compares: South Asian, 0.0055%; no homozygotes.

Submissions (2):

Labcorp Genetics (formerly Invitae), Labcorp
Classification: Uncertain significance for Charcot-Marie-Tooth disease type 2. Last evaluated: 2024-09-27. Review status: criteria provided, single submitter. Criteria: Invitae Variant Classification Sherloc (09022015). Collection method: clinical testing. Allele origin: germline.
Comment: This sequence change replaces threonine, which is neutral and polar, with methionine, which is neutral and non-polar, at codon 869 of the KIF1B protein (p.Thr869Met). This variant is present in population databases (rs749523745, gnomAD 0.006%). This variant has not been reported in the literature in individuals affected with KIF1B-related conditions. ClinVar contains an entry for this variant (Variation ID: 946000). An algorithm developed to predict the effect of missense changes on protein structure and function (PolyPhen-2) suggests that this variant is likely to be tolerated. In summary, the available evidence is currently insufficient to determine the role of this variant in disease. Therefore, it has been classified as a Variant of Uncertain Significance.

Ambry Genetics
Classification: Uncertain significance. Last evaluated: 2022-11-25. Review status: criteria provided, single submitter. Criteria: Ambry Variant Classification Scheme 2023. Collection method: clinical testing. Allele origin: germline.
Comment: The p.T869M variant (also known as c.2606C>T), located in coding exon 24 of the KIF1B gene, results from a C to T substitution at nucleotide position 2606. The threonine at codon 869 is replaced by methionine, an amino acid with similar properties. This amino acid position is highly conserved in available vertebrate species. In addition, this alteration is predicted to be tolerated by in silico analysis. Since supporting evidence is limited at this time, the clinical significance of this alteration remains unclear.